The following is an entry in ClinVar:

NM_001148.6(ANK2):c.4287A>G (p.Ser1429=)

Gene: ANK2 (ankyrin 2; plus strand). Cytogenetic location: 4q26.
Variant type: single nucleotide variant.
Coding change: c.4287A>G on transcript NM_001148.6 (MANE Select); coding-DNA position 4287, A replaced by G.
Protein change: p.Ser1429=; no amino-acid change (serine 1429 retained).
Molecular consequence: synonymous variant.
Genome position (GRCh38, 1-based): chr4:113,345,938, A>G. VCF-style: chr4-113345938-A-G. GRCh37 (hg19) VCF-style: chr4-114267094-A-G.
Other names: p.Ser1429=; c.4260A>G, p.Ser1420= (NM_001127493.3); c.4299A>G, p.Ser1433= (NM_001354225.2); c.4188A>G, p.Ser1396= (NM_001354228.2, NM_001354258.2); c.4266A>G, p.Ser1422= (NM_001354230.2); c.4329A>G, p.Ser1443= (NM_001354231.2, NM_001354242.2); c.4323A>G, p.Ser1441= (NM_001354232.2); c.4284A>G, p.Ser1428= (NM_001354235.2, NM_001354246.2, NM_001354265.2); and 33 more.
Identifiers: ClinVar variation 413950 (VCV000413950.48), dbSNP rs72556369, ClinGen allele CA3051040.

ClinVar aggregate classification (germline): Conflicting classifications of pathogenicity. Review status: criteria provided, conflicting classifications (1 of 4 stars). 9 submissions from 9 submitters: Uncertain significance (1); Benign (1); Likely benign (5). 2 of the submissions do not count toward it. Last evaluated 2025-12-19.

Conditions:
Cardiovascular phenotype. Identifiers: MedGen CN230736.
Long QT syndrome (LQTS). Identifiers: MedGen C0023976, MeSH D008133, MONDO:0002442. Disease mechanism: loss of function. Inheritance: Various modes of inheritance.
Cardiac arrhythmia, ankyrin-B-related. Also called: ANKYRIN-B SYNDROME. Identifiers: Orphanet 101016, Orphanet 768, MedGen C1970119, MONDO:0010958, OMIM 600919.

Allele frequency attached by ClinVar (database versions not stated): TOPMed 0.00006; ExAC 0.00007; gnomAD exomes 0.00010; gnomAD 0.00011.
gnomAD v4.1: 120 of 1,613,754 alleles (0.0074%); highest among the groups gnomAD compares: Middle Eastern, 0.099%; no homozygotes.

Submissions (9):

Labcorp Genetics (formerly Invitae), Labcorp
Classification: Likely benign for Long QT syndrome. Last evaluated: 2025-12-19. Review status: criteria provided, single submitter. Criteria: Invitae Variant Classification Sherloc (09022015). Collection method: clinical testing. Allele origin: germline.

Mayo Clinic Laboratories, Mayo Clinic
Classification: Likely benign. Last evaluated: 2025-05-13. Review status: criteria provided, single submitter. Criteria: ACMG Guidelines, 2015. Collection method: clinical testing. Allele origin: germline. Observed: 1 variant allele.
Comment: BP4, BP7

CeGaT Center for Human Genetics Tuebingen
Classification: Likely benign. Last evaluated: 2023-05-01. Review status: criteria provided, single submitter. Criteria: CeGaT Center For Human Genetics Tuebingen Variant Classification Criteria Version 2. Collection method: clinical testing. Allele origin: germline. Affected: yes. Observed: 1 variant allele.
Comment: ANK2: BP4, BP7

Blueprint Genetics
Classification: Likely benign. Last evaluated: 2022-06-24. Review status: criteria provided, single submitter. Criteria: ACMG Guidelines, 2015. Collection method: clinical testing. Allele origin: germline.

Ambry Genetics
Classification: Likely benign for Cardiovascular phenotype. Last evaluated: 2020-02-26. Review status: criteria provided, single submitter. Criteria: Ambry Variant Classification Scheme 2023. Collection method: clinical testing. Allele origin: germline.

Illumina Laboratory Services, Illumina
Classification: Uncertain significance for Cardiac arrhythmia, ankyrin-B-related. Last evaluated: 2018-01-13. Review status: criteria provided, single submitter. Criteria: ICSL Variant Classification Criteria 13 December 2019. Collection method: clinical testing. Allele origin: germline.

GeneDx
Classification: Benign. Last evaluated: 2015-03-03. Review status: criteria provided, single submitter. Criteria: GeneDx Variant Classification Process June 2021. Collection method: clinical testing. Allele origin: germline. Affected: yes.

Clinical Genetics, Academic Medical Center
Classification: Benign. Review status: no assertion criteria provided. Collection method: clinical testing. Allele origin: germline. Affected: yes. Study: VKGL Data-share Consensus. Not counted in ClinVar's aggregate classification.

Genome Diagnostics Laboratory, University Medical Center Utrecht
Classification: Likely benign. Review status: no assertion criteria provided. Collection method: clinical testing. Allele origin: germline. Affected: yes. Study: VKGL Data-share Consensus. Not counted in ClinVar's aggregate classification.